The following is an entry in ClinVar:

NM_024675.4(PALB2):c.3351-6T>C

Gene: PALB2 (partner and localizer of BRCA2; minus strand). Cytogenetic location: 16p12.2.
Variant type: single nucleotide variant.
Coding change: c.3351-6T>C on transcript NM_024675.4 (MANE Select); 6 bases into the intron before coding-DNA position 3351, T replaced by C.
Molecular consequence: intron variant.
Genome position (GRCh38, 1-based): chr16:23,603,675, A>G on the plus strand (T>C on the coding strand, the complement: PALB2 is on the minus strand). VCF-style: chr16-23603675-A-G. GRCh37 (hg19) VCF-style: chr16-23614996-A-G.
Identifiers: ClinVar variation 530236 (VCV000530236.17), dbSNP rs770987416, ClinGen allele CA7963357.

ClinVar aggregate classification (germline): Likely benign. Review status: criteria provided, multiple submitters, no conflicts (2 of 4 stars). 3 submissions from 3 submitters: Likely benign (3). Last evaluated 2025-11-22.

Conditions:
Hereditary cancer-predisposing syndrome. Also called: Hereditary neoplastic syndrome; Neoplastic Syndromes, Hereditary; Hereditary Cancer Syndrome; Tumor predisposition. Identifiers: Orphanet 140162, MedGen C0027672, MeSH D009386, MONDO:0015356.
Familial cancer of breast. Also called: BREAST CANCER, FAMILIAL; Hereditary breast cancer; hereditary breast carcinoma. Identifiers: Orphanet 227535, MedGen C0346153, MONDO:0016419, OMIM 114480. Disease mechanism: loss of function.

Allele frequency attached by ClinVar (database versions not stated): gnomAD exomes below 0.00001 and 0.00003; ExAC 0.00001; TOPMed 0.00001.
gnomAD v4.1: 49 of 1,612,342 alleles (0.003%); highest among the groups gnomAD compares: Non-Finnish European, 0.0041%; no homozygotes.

Submissions (3):

Labcorp Genetics (formerly Invitae), Labcorp
Classification: Likely benign for Familial cancer of breast. Last evaluated: 2025-11-22. Review status: criteria provided, single submitter. Criteria: Invitae Variant Classification Sherloc (09022015). Collection method: clinical testing. Allele origin: germline.

Myriad Genetics, Inc.
Classification: Likely benign for Familial cancer of breast. Last evaluated: 2025-01-22. Review status: criteria provided, single submitter. Criteria: Myriad Autosomal Dominant, Autosomal Recessive and X-Linked Classification Criteria (2023). Collection method: clinical testing. Allele origin: unknown.
Comment: This variant is considered likely benign. This variant is intronic and is not expected to impact mRNA splicing.

Color Diagnostics, LLC DBA Color Health
Classification: Likely benign for Hereditary cancer-predisposing syndrome. Last evaluated: 2022-03-17. Review status: criteria provided, single submitter. Criteria: ACMG Guidelines, 2015. Collection method: clinical testing. Allele origin: germline.